The following is an entry in ClinVar:

ClinVar aggregate classification (germline): Pathogenic (1 of 4 stars; one submission).

Conditions:
AKR1D1-related disorder. Also called: AKR1D1-related condition.

Submission:

PreventionGenetics, part of Exact Sciences
Classification: Pathogenic for AKR1D1-related condition. Last evaluated: 2024-11-13. Review status: criteria provided, single submitter. Criteria: ACMG Guidelines, 2015. Collection method: clinical testing. Allele origin: germline.
Comment: The AKR1D1 c.587delG variant is predicted to result in a frameshift and premature protein termination (p.Cys196Serfs*11). This variant was reported to segregate with disease in an family of homozygous individuals presenting with infantile liver disease. At least one family member was reported to also have a second potentially relevant variant (Morgan et al. 2013. PubMed ID: 23679950). This variant is reported in 0.0065% of alleles in individuals of South Asian descent in gnomAD. Frameshift variants in AKR1D1 are expected to be pathogenic. This variant is interpreted as pathogenic.

NM_005989.4(AKR1D1):c.587del (p.Cys196fs)

Gene: AKR1D1 (aldo-keto reductase family 1 member D1; plus strand). Cytogenetic location: 7q33.
Variant type: Deletion.
Coding change: c.587del on transcript NM_005989.4 (MANE Select); coding-DNA position 587, one base deleted (G; older notation c.587delG).
Protein change: p.Cys196fs; shifts the reading frame from cysteine 196.
Molecular consequence: frameshift variant.
Genome position (GRCh38, 1-based): chr7:138,106,615, G deleted. VCF-style (leftmost placement, unchanged base first): chr7-138106614-TG-T. GRCh37 (hg19) VCF-style: chr7-137791360-TG-T.
Other names: c.464del, p.Cys155fs (NM_001190906.2); c.587del, p.Cys196fs (NM_001190907.2); c.587delG (NM_005989.3); short protein forms C155fs, C196fs.
Identifiers: ClinVar variation 4987817 (VCV004987817.1).